The following is an entry in ClinVar:

NM_000092.5(COL4A4):c.3772G>A (p.Gly1258Ser)

Gene: COL4A4 (collagen type IV alpha 4 chain; minus strand). Cytogenetic location: 2q36.3.
Variant type: single nucleotide variant.
Coding change: c.3772G>A on transcript NM_000092.5 (MANE Select); coding-DNA position 3772, G replaced by A.
Protein change: p.Gly1258Ser; replaces glycine 1258 with serine.
Molecular consequence: missense variant.
Genome position (GRCh38, 1-based): chr2:227,031,990, C>T on the plus strand (G>A on the coding strand, the complement: COL4A4 is on the minus strand). VCF-style: chr2-227031990-C-T. GRCh37 (hg19) VCF-style: chr2-227896706-C-T.
Other names: short protein forms G1258S.
Identifiers: ClinVar variation 3902400 (VCV003902400.1).

ClinVar aggregate classification (germline): Uncertain significance (1 of 4 stars; one submission).

Submission:

Women's Health and Genetics/Laboratory Corporation of America, LabCorp
Classification: Uncertain significance. Last evaluated: 2025-05-08. Review status: criteria provided, single submitter. Criteria: LabCorp Variant Classification Summary - May 2015. Collection method: clinical testing. Allele origin: germline.
Comment: Variant summary: COL4A4 c.3772G>A (p.Gly1258Ser) results in a non-conservative amino acid change in the encoded protein sequence. Algorithms developed to predict the effect of missense changes on protein structure and function all suggest that this variant is likely to be disruptive. The variant was absent in 249306 control chromosomes. The available data on variant occurrences in the general population are insufficient to allow any conclusion about variant significance. To our knowledge, no occurrence of c.3772G>A in individuals affected with Alport Syndrome, Autosomal Recessive and no experimental evidence demonstrating its impact on protein function have been reported. No submitters have cited clinical-significance assessments for this variant to ClinVar. Based on the evidence outlined above, the variant was classified as uncertain significance.